The following is an entry in ClinVar:

ClinVar aggregate classification (germline): Conflicting classifications of pathogenicity. Review status: criteria provided, conflicting classifications (1 of 4 stars). 3 submissions from 3 submitters: Uncertain significance (1); Likely benign (2). Last evaluated 2025-12-02.

Conditions:
Cardiovascular phenotype. Identifiers: MedGen CN230736.

Allele frequency attached by ClinVar (database versions not stated): gnomAD 0.00001; gnomAD exomes 0.00001; TOPMed 0.00002.
gnomAD v4.1: 31 of 1,613,926 alleles (0.0019%); highest among the groups gnomAD compares: African/African-American, 0.0027%; no homozygotes.

Submissions (3):

Labcorp Genetics (formerly Invitae), Labcorp
Classification: Likely benign. Last evaluated: 2025-12-02. Review status: criteria provided, single submitter. Criteria: Invitae Variant Classification Sherloc (09022015). Collection method: clinical testing. Allele origin: germline.

Ambry Genetics
Classification: Uncertain significance for Cardiovascular phenotype. Last evaluated: 2023-07-24. Review status: criteria provided, single submitter. Criteria: Ambry Variant Classification Scheme 2023. Collection method: clinical testing. Allele origin: germline.
Comment: The c.300G>A variant (also known as p.P100P), located in coding exon 7 of the MFAP5 gene, results from a G to A substitution at nucleotide position 300. This nucleotide substitution does not change the proline at codon 100. This nucleotide position is poorly conserved in available vertebrate species. In silico splice site analysis for this alteration is inconclusive. The evidence for this gene-disease relationship is limited; therefore, the clinical significance of this alteration is unclear.

GeneDx
Classification: Likely benign. Last evaluated: 2018-06-01. Review status: criteria provided, single submitter. Criteria: GeneDx Variant Classification (06012015). Collection method: clinical testing. Allele origin: germline. Affected: yes.
Comment: This variant is considered likely benign or benign based on one or more of the following criteria: it is a conservative change, it occurs at a poorly conserved position in the protein, it is predicted to be benign by multiple in silico algorithms, and/or has population frequency not consistent with disease.

NM_003480.4(MFAP5):c.300G>A (p.Pro100=)

Gene: MFAP5 (microfibril associated protein 5; minus strand). Cytogenetic location: 12p13.31.
Variant type: single nucleotide variant.
Coding change: c.300G>A on transcript NM_003480.4 (MANE Select); coding-DNA position 300, G replaced by A.
Protein change: p.Pro100=; no amino-acid change (proline 100 retained).
Molecular consequence: synonymous variant. On other transcripts: non-coding transcript variant (2), intron variant (1).
Genome position (GRCh38, 1-based): chr12:8,650,537, C>T on the plus strand (G>A on the coding strand, the complement: MFAP5 is on the minus strand). VCF-style: chr12-8650537-C-T. GRCh37 (hg19) VCF-style: chr12-8803133-C-T.
Other names: c.270G>A, p.Pro90= (NM_001297709.2); c.234G>A, p.Pro78= (NM_001297710.2); c.225G>A, p.Pro75= (NM_001297711.2); c.218-2334G>A (NM_001297712.2); c.300G>A (NM_003480.2).
Identifiers: ClinVar variation 668685 (VCV000668685.6), dbSNP rs1294533558, ClinGen allele CA478466562.
Genomic context (GRCh38, chr12:8,650,537, plus strand): 5'-TTTTGGGCATTCTGGGATCCCTTACCTGGTGAAGCATAACTGATGAATGCATTGTTTAAC[C>T]GGCCGATGCACAGAGTAGAGCCTTGTGCAGGTAAATTTCTCATCCCAGCACTCTGAGGAA-3'
Protein context (NP_003471.1, residues 90-110): TCTRLYSVHR[Pro100=]VKQCIHQLCF